The following is an entry in ClinVar:

ClinVar aggregate classification (germline): Likely benign (1 of 4 stars; one submission).

gnomAD v4.1: 3,168 of 1,612,848 alleles (0.2%); highest among the groups gnomAD compares: Admixed American, 2.6%; 32 homozygotes.

Submission:

GeneDx
Classification: Likely benign. Last evaluated: 2020-12-23. Review status: criteria provided, single submitter. Criteria: GeneDx Variant Classification Process June 2021. Collection method: clinical testing. Allele origin: germline. Affected: yes.
Comment: See Variant Classification Assertion Criteria.

NM_002204.4(ITGA3):c.*47C>T

Gene: ITGA3 (integrin subunit alpha 3; plus strand). Cytogenetic location: 17q21.33.
Variant type: single nucleotide variant.
Coding change: c.*47C>T on transcript NM_002204.4 (MANE Select); 47 bases downstream of the stop codon, C replaced by T.
Molecular consequence: 3 prime UTR variant.
Genome position (GRCh38, 1-based): chr17:50,089,125, C>T. VCF-style: chr17-50089125-C-T. GRCh37 (hg19) VCF-style: chr17-48166489-C-T.
Identifiers: ClinVar variation 3340936 (VCV003340936.1).